The following is an entry in ClinVar:

ClinVar aggregate classification (germline): Benign. Review status: criteria provided, multiple submitters, no conflicts (2 of 4 stars). 3 submissions from 3 submitters: Benign (2). 1 of the submissions does not count toward it. Last evaluated 2016-03-28.

Conditions:
THBS1-related disorder. Also called: THBS1-related condition.

Allele frequency attached by ClinVar (database versions not stated): 1000 Genomes Project 0.01278; 1000 Genomes Project 30x 0.01312; gnomAD 0.02216 and 0.02217; TOPMed 0.02299; gnomAD exomes 0.02378; ExAC 0.02406; ESP Exome Variant Server 0.02578.
gnomAD v4.1: 47,255 of 1,611,476 alleles (2.9%); highest among the groups gnomAD compares: Non-Finnish European, 3.4%; 790 homozygotes.

Submissions (3):

Laboratory for Molecular Medicine, Mass General Brigham Personalized Medicine
Classification: Benign. Last evaluated: 2016-03-28. Review status: criteria provided, single submitter. Criteria: LMM Criteria. Collection method: clinical testing. Allele origin: germline.
Comment: Variant identified in a genome or exome case(s) and assessed due to predicted null impact of the variant or pathogenic assertions in the literature or databases. Disclaimer: This variant has not undergone full assessment. The following are preliminary notes: Silent, not in splice consensus

Breakthrough Genomics
Classification: Benign. Review status: criteria provided, single submitter. Criteria: ACMG Guidelines, 2015. Collection method: not provided. Allele origin: germline. Inheritance: Unknown mechanism. Affected: yes.

PreventionGenetics, part of Exact Sciences
Classification: Benign for THBS1-related condition. Last evaluated: 2019-10-21. Review status: no assertion criteria provided. Collection method: clinical testing. Allele origin: germline. Not counted in ClinVar's aggregate classification.
Comment: This variant is classified as benign based on ACMG/AMP sequence variant interpretation guidelines (Richards et al. 2015 PMID: 25741868, with internal and published modifications).

NM_003246.4(THBS1):c.1563C>T (p.Asn521=)

Gene: THBS1 (thrombospondin 1; plus strand). Cytogenetic location: 15q14.
Variant type: single nucleotide variant.
Coding change: c.1563C>T on transcript NM_003246.4 (MANE Select); coding-DNA position 1563, C replaced by T.
Protein change: p.Asn521=; no amino-acid change (asparagine 521 retained).
Molecular consequence: synonymous variant.
Genome position (GRCh38, 1-based): chr15:39,588,617, C>T. VCF-style: chr15-39588617-C-T. GRCh37 (hg19) VCF-style: chr15-39880818-C-T.
Other names: c.1563C>T (NM_003246.3).
Identifiers: ClinVar variation 403536 (VCV000403536.7), dbSNP rs41338344, ClinGen allele CA7471973.